The following is an entry in ClinVar:

ClinVar aggregate classification (germline): Uncertain significance (1 of 4 stars; one submission).

Allele frequency attached by ClinVar (database versions not stated): gnomAD exomes below 0.00001.

Submission:

Labcorp Genetics (formerly Invitae), Labcorp
Classification: Uncertain significance. Last evaluated: 2024-10-23. Review status: criteria provided, single submitter. Criteria: Invitae Variant Classification Sherloc (09022015). Collection method: clinical testing. Allele origin: germline.
Comment: This sequence change replaces arginine, which is basic and polar, with glycine, which is neutral and non-polar, at codon 818 of the ESPN protein (p.Arg818Gly). This variant is present in population databases (no rsID available, gnomAD 0.004%). This variant has not been reported in the literature in individuals affected with ESPN-related conditions. ClinVar contains an entry for this variant (Variation ID: 1439665). An algorithm developed to predict the effect of missense changes on protein structure and function (PolyPhen-2) suggests that this variant is likely to be tolerated. In summary, the available evidence is currently insufficient to determine the role of this variant in disease. Therefore, it has been classified as a Variant of Uncertain Significance.

NM_031475.3(ESPN):c.2452C>G (p.Arg818Gly)

Gene: ESPN (espin; plus strand). Cytogenetic location: 1p36.31.
Variant type: single nucleotide variant.
Coding change: c.2452C>G on transcript NM_031475.3 (MANE Select); coding-DNA position 2452, C replaced by G.
Protein change: p.Arg818Gly; replaces arginine 818 with glycine.
Molecular consequence: missense variant.
Genome position (GRCh38, 1-based): chr1:6,460,033, C>G. VCF-style: chr1-6460033-C-G. GRCh37 (hg19) VCF-style: chr1-6520093-C-G.
Other names: c.2362C>G, p.Arg788Gly (NM_001367473.1); c.2389C>G, p.Arg797Gly (NM_001367474.1); short protein forms R788G, R797G, R818G.
Identifiers: ClinVar variation 1439665 (VCV001439665.8), dbSNP rs1261727435, ClinGen allele CA338103722.
Genomic context (GRCh38, chr1:6,460,033, plus strand): 5'-GTCTGCCCCCCTCCCCACTGCCTCAGGAAAGAGGAGGAGCGACAGAAGCAGGAGGAGCTG[C>G]GGCGGGAGAAGGAACAGTCAGAGAAGCTGCGGACGCTGGGCTACGATGAGAGCAAGCTGG-3'
Protein context (NP_113663.2, residues 808-828): EEERQKQEEL[Arg818Gly]REKEQSEKLR